The following is an entry in ClinVar:

ClinVar aggregate classification (germline): Uncertain significance (1 of 4 stars; one submission).

Conditions:
Hereditary insensitivity to pain with anhidrosis (CIPA). Also called: hereditary sensory and autonomic neuropathy type 4; NEUROPATHY, CONGENITAL SENSORY, WITH ANHIDROSIS; NTRK1 Congenital Insensitivity to Pain with Anhidrosis; INSENSITIVITY TO PAIN, CONGENITAL, WITH ANHIDROSIS; HSAN Type IV; FAMILIAL DYSAUTONOMIA, TYPE II. Identifiers: Orphanet 642, MedGen C0020074, MONDO:0009746, OMIM 256800.

Allele frequency attached by ClinVar (database versions not stated): TOPMed below 0.00001; gnomAD exomes 0.00002.

Submission:

Labcorp Genetics (formerly Invitae), Labcorp
Classification: Uncertain significance for Hereditary insensitivity to pain with anhidrosis. Last evaluated: 2021-08-26. Review status: criteria provided, single submitter. Criteria: Invitae Variant Classification Sherloc (09022015). Collection method: clinical testing. Allele origin: germline.
Comment: This sequence change replaces arginine with histidine at codon 744 of the NTRK1 protein (p.Arg744His). The arginine residue is highly conserved and there is a small physicochemical difference between arginine and histidine. The frequency data for this variant in the population databases is considered unreliable, as metrics indicate poor data quality at this position in the ExAC database. This variant has not been reported in the literature in individuals affected with NTRK1-related conditions. Algorithms developed to predict the effect of missense changes on protein structure and function (SIFT, PolyPhen-2, Align-GVGD) all suggest that this variant is likely to be disruptive. In summary, the available evidence is currently insufficient to determine the role of this variant in disease. Therefore, it has been classified as a Variant of Uncertain Significance.

NM_002529.4(NTRK1):c.2249G>A (p.Arg750His)

Gene: NTRK1 (neurotrophic receptor tyrosine kinase 1; plus strand). Cytogenetic location: 1q23.1.
Variant type: single nucleotide variant.
Coding change: c.2249G>A on transcript NM_002529.4 (MANE Select); coding-DNA position 2249, G replaced by A.
Protein change: p.Arg750His; replaces arginine 750 with histidine.
Molecular consequence: missense variant.
Genome position (GRCh38, 1-based): chr1:156,881,500, G>A. VCF-style: chr1-156881500-G-A. GRCh37 (hg19) VCF-style: chr1-156851292-G-A.
Other names: c.2249G>A, p.Arg750His (NM_001007204.1); c.2141G>A, p.Arg714His (NM_001007792.1); c.2231G>A, p.Arg744His (NM_001012331.2); short protein forms R744H, R714H, R750H.
Identifiers: ClinVar variation 2144364 (VCV002144364.1), dbSNP rs758359269, ClinGen allele CA1169614.